The following is an entry in ClinVar:

ClinVar aggregate classification (germline): Likely pathogenic (1 of 4 stars; one submission).

Conditions:
CTCF-related neurodevelopmental disorder. Also called: Intellectual disability-feeding difficulties-developmental delay-microcephaly syndrome; INTELLECTUAL DEVELOPMENTAL DISORDER, AUTOSOMAL DOMINANT 21. Identifiers: Orphanet 363611, MedGen C3809686, MONDO:0014213, OMIM 615502.

Submission:

3billion
Classification: Likely pathogenic for CTCF-related neurodevelopmental disorder. Last evaluated: 2023-12-13. Review status: criteria provided, single submitter. Criteria: ACMG Guidelines, 2015. Collection method: clinical testing. Allele origin: germline. Affected: yes.
Comment: The variant is not observed in the gnomAD v2.1.1 dataset. Predicted Consequence/Location: Frameshift: predicted to result in a loss or disruption of normal protein function through nonsense-mediated decay (NMD) or protein truncation. Multiple pathogenic variants are reported downstream of the variant. Therefore, this variant is classified as Likely pathogenic according to the recommendation of ACMG/AMP guideline.

NM_006565.4(CTCF):c.611_614del (p.Thr204fs)

Gene: CTCF (CCCTC-binding factor; plus strand). Cytogenetic location: 16q22.1.
Variant type: Deletion.
Coding change: c.611_614del on transcript NM_006565.4 (MANE Select); coding-DNA positions 611 to 614, 4 bases deleted (CAAA; older notation c.611_614delCAAA).
Protein change: p.Thr204fs; shifts the reading frame from threonine 204.
Molecular consequence: frameshift variant. On other transcripts: intron variant (1).
Genome position (GRCh38, 1-based): chr16:67,611,443-67,611,446, CAAA deleted; deleting any 4 consecutive bases within chr16:67,611,440-67,611,446 gives the same sequence; the c. name uses the placement nearest the transcript's 3' end. VCF-style (leftmost placement, unchanged base first): chr16-67611439-AAAAC-A. GRCh37 (hg19) VCF-style: chr16-67645342-AAAAC-A.
Other names: c.611_614delCAAA, p.Thr204Argfs (NM_001363916.2); c.-32-5302_-32-5299del (NM_001191022.2); short protein forms T204fs.
Identifiers: ClinVar variation 3775624 (VCV003775624.1).